The following is an entry in ClinVar:

ClinVar aggregate classification (germline): Uncertain significance. Review status: criteria provided, multiple submitters, no conflicts (2 of 4 stars). 2 submissions from 2 submitters: Uncertain significance (2). Last evaluated 2022-05-15.

Allele frequency attached by ClinVar (database versions not stated): gnomAD below 0.00001 and 0.00001; TOPMed below 0.00001; gnomAD exomes 0.00002 and 0.00004; ExAC 0.00003.

Submissions (2):

Labcorp Genetics (formerly Invitae), Labcorp
Classification: Uncertain significance. Last evaluated: 2022-05-15. Review status: criteria provided, single submitter. Criteria: Invitae Variant Classification Sherloc (09022015). Collection method: clinical testing. Allele origin: germline.
Comment: This sequence change replaces arginine, which is basic and polar, with cysteine, which is neutral and slightly polar, at codon 994 of the OBSL1 protein (p.Arg994Cys). This variant is present in population databases (rs749541061, gnomAD 0.03%). This missense change has been observed in individual(s) with clinical features of 3M syndrome (PMID: 30755392). ClinVar contains an entry for this variant (Variation ID: 598981). Algorithms developed to predict the effect of missense changes on protein structure and function are either unavailable or do not agree on the potential impact of this missense change (SIFT: "Deleterious"; PolyPhen-2: "Possibly Damaging"; Align-GVGD: "Class C0"). In summary, the available evidence is currently insufficient to determine the role of this variant in disease. Therefore, it has been classified as a Variant of Uncertain Significance.

Center for Personalized Medicine, Children's Hospital Los Angeles
Classification: Uncertain significance. Last evaluated: 2018-11-19. Review status: criteria provided, single submitter. Criteria: ACMG Guidelines, 2015. Collection method: clinical testing. Allele origin: germline. Affected: yes.

Literature cited by the submitters: PubMed 30755392 (cited by Labcorp Genetics (formerly Invitae), Labcorp).

NM_015311.3(OBSL1):c.2980C>T (p.Arg994Cys)

Gene: OBSL1 (obscurin like cytoskeletal adaptor 1; minus strand). Cytogenetic location: 2q35.
Variant type: single nucleotide variant.
Coding change: c.2980C>T on transcript NM_015311.3 (MANE Select); coding-DNA position 2980, C replaced by T.
Protein change: p.Arg994Cys; replaces arginine 994 with cysteine.
Molecular consequence: missense variant.
Genome position (GRCh38, 1-based): chr2:219,559,471, G>A on the plus strand (C>T on the coding strand, the complement: OBSL1 is on the minus strand). VCF-style: chr2-219559471-G-A. GRCh37 (hg19) VCF-style: chr2-220424193-G-A.
Other names: c.2980C>T, p.Arg994Cys (NM_001173431.2); short protein forms R994C.
Identifiers: ClinVar variation 598981 (VCV000598981.12), dbSNP rs749541061, ClinGen allele CA2131001.
Genomic context (GRCh38, chr2:219,559,471, plus strand): 5'-ACAGTTCACACATCAGCACCACACACTCCAAGGTCACGGCGATCAAGGTCACCTCATCGC[G>A]AGGGTATATGATCCGCACTGGGGGTTCTGCAGGGTGGGGACAACCACAGCCTGTCACAAG-3'
Protein context (NP_056126.1, residues 984-1004): TEPPVRIIYP[Arg994Cys]DEVTLIAVTL